The following is an entry in ClinVar:

NM_001330260.2(SCN8A):c.4435A>C (p.Ile1479Leu)

Gene: SCN8A (sodium voltage-gated channel alpha subunit 8; plus strand). Cytogenetic location: 12q13.13.
Variant type: single nucleotide variant.
Coding change: c.4435A>C on transcript NM_001330260.2 (MANE Select); coding-DNA position 4435, A replaced by C.
Protein change: p.Ile1479Leu; replaces isoleucine 1479 with leucine.
Molecular consequence: missense variant.
Genome position (GRCh38, 1-based): chr12:51,790,413, A>C. VCF-style: chr12-51790413-A-C. GRCh37 (hg19) VCF-style: chr12-52184197-A-C.
Other names: c.4312A>C, p.Ile1438Leu (NM_001177984.3, NM_001369788.1); c.4435A>C, p.Ile1479Leu (NM_014191.4); short protein forms I1438L, I1479L.
Identifiers: ClinVar variation 952494 (VCV000952494.10), dbSNP rs796053217, ClinGen allele CA384909033.

ClinVar aggregate classification (germline): Uncertain significance (1 of 4 stars; one submission).

Conditions:
Early-infantile DEE. Also called: Early infantile epileptic encephalopathy; Ohtahara syndrome; Early infantile epileptic encephalopathy with suppression bursts. Identifiers: Orphanet 1934, MedGen C0393706, MONDO:0800491.

Submission:

Labcorp Genetics (formerly Invitae), Labcorp
Classification: Uncertain significance for Early-infantile DEE. Last evaluated: 2024-10-23. Review status: criteria provided, single submitter. Criteria: Invitae Variant Classification Sherloc (09022015). Collection method: clinical testing. Allele origin: germline.
Comment: This sequence change replaces isoleucine, which is neutral and non-polar, with leucine, which is neutral and non-polar, at codon 1479 of the SCN8A protein (p.Ile1479Leu). This variant is not present in population databases (gnomAD no frequency). This variant has not been reported in the literature in individuals affected with SCN8A-related conditions. ClinVar contains an entry for this variant (Variation ID: 952494). Invitae Evidence Modeling of protein sequence and biophysical properties (such as structural, functional, and spatial information, amino acid conservation, physicochemical variation, residue mobility, and thermodynamic stability) indicates that this missense variant is not expected to disrupt SCN8A protein function with a negative predictive value of 95%. This variant disrupts the p.Ile1479 amino acid residue in SCN8A. Other variant(s) that disrupt this residue have been determined to be pathogenic (PMID: 25568300; internal data). This suggests that this residue is clinically significant, and that variants that disrupt this residue are likely to be disease-causing. In summary, the available evidence is currently insufficient to determine the role of this variant in disease. Therefore, it has been classified as a Variant of Uncertain Significance.

Literature cited by the submitters: PubMed 25568300.